The following is an entry in ClinVar:

ClinVar aggregate classification (germline): Uncertain significance (1 of 4 stars; one submission).

Conditions:
EP300-related disorder. Also called: EP300-related condition; EP300-related disorders.

Submission:

PreventionGenetics, part of Exact Sciences
Classification: Uncertain significance for EP300-related condition. Last evaluated: 2023-04-14. Review status: criteria provided, single submitter. Criteria: ACMG Guidelines, 2015. Collection method: clinical testing. Allele origin: germline.
Comment: The EP300 c.4439T>C variant is predicted to result in the amino acid substitution p.Val1480Ala. To our knowledge, this variant has not been reported in the literature or in a large population database, indicating this variant is rare. At this time, the clinical significance of this variant is uncertain due to the absence of conclusive functional and genetic evidence.

NM_001429.4(EP300):c.4439T>C (p.Val1480Ala)

Gene: EP300 (E1A binding protein p300; plus strand). Cytogenetic location: 22q13.2.
Variant type: single nucleotide variant.
Coding change: c.4439T>C on transcript NM_001429.4 (MANE Select); coding-DNA position 4439, T replaced by C.
Protein change: p.Val1480Ala; replaces valine 1480 with alanine.
Molecular consequence: missense variant.
Genome position (GRCh38, 1-based): chr22:41,170,558, T>C. VCF-style: chr22-41170558-T-C. GRCh37 (hg19) VCF-style: chr22-41566562-T-C.
Other names: c.4361T>C, p.Val1454Ala (NM_001362843.2); short protein forms V1454A, V1480A.
Identifiers: ClinVar variation 2633131 (VCV002633131.1), dbSNP rs1056896827, ClinGen allele CA411702375.